The following is an entry in ClinVar:

NM_001256071.3(RNF213):c.15287A>G (p.Glu5096Gly)

Genes: RNF213 (ring finger protein 213; plus strand), RNF213-AS1 (RNF213 antisense RNA 1; minus strand). Cytogenetic location: 17q25.3.
Variant type: single nucleotide variant.
Coding change: c.15287A>G on transcript NM_001256071.3 (MANE Select); coding-DNA position 15287, A replaced by G.
Protein change: p.Glu5096Gly; replaces glutamic acid 5096 with glycine.
Molecular consequence: missense variant.
Genome position (GRCh38, 1-based): chr17:80,390,013, A>G. VCF-style: chr17-80390013-A-G. GRCh37 (hg19) VCF-style: chr17-78363813-A-G.
Other names: c.15434A>G, p.Glu5145Gly (NM_001410195.1, NM_020914.5); short protein forms E5096G, E5145G.
Identifiers: ClinVar variation 3341329 (VCV003341329.1).

ClinVar aggregate classification (germline): Uncertain significance (1 of 4 stars; one submission).

Conditions:
Moyamoya disease 2 (MYMY2). Also called: MOYAMOYA DISEASE 2, SUSCEPTIBILITY TO. Identifiers: Orphanet 2573, MedGen C1846689, MONDO:0011784, OMIM 607151.

gnomAD v4.1: 1 of 1,614,174 alleles (0.000062%); highest among the groups gnomAD compares: South Asian, 0.0011%; no homozygotes.

Submission:

Neuberg Centre For Genomic Medicine, NCGM
Classification: Uncertain significance for Moyamoya disease 2. Last evaluated: 2023-05-20. Review status: criteria provided, single submitter. Criteria: ACMG Guidelines, 2015. Collection method: clinical testing. Allele origin: germline. Inheritance: Autosomal dominant inheritance. Affected: yes.
Comment: The observed missense c.15287A>G(p.Glu5096Gly) variant, lying in splice region of RNF213 gene, has not been reported previously as a pathogenic variant nor a benign variant, to our knowledge. The p.Glu5096Gly variant is absent in gnomAD Exomes. This variant has not been submitted to the ClinVar database. Multiple lines of computational evidence (SIFT - Damaging and MutationTaster - Disease causing) predict a damaging effect on protein structure and function for this variant. The amino acid change p.Glu5096Gly in RNF213 is predicted as conserved by GERP++ and PhyloP across 100 vertebrates. The amino acid Glu at position 5096 is changed to a Gly changing protein sequence and it might alter its composition and physico-chemical properties. For these reasons, this variant has been classified as a Variant of Uncertain Significance (VUS).